The following is an entry in ClinVar:

ClinVar aggregate classification (germline): Likely benign (1 of 4 stars; one submission).

gnomAD v4.1: 1,629 of 1,614,032 alleles (0.1%); highest among the groups gnomAD compares: Non-Finnish European, 0.13%; 1 homozygote.

Submission:

CeGaT Center for Human Genetics Tuebingen
Classification: Likely benign. Last evaluated: 2025-07-01. Review status: criteria provided, single submitter. Criteria: CeGaT Center For Human Genetics Tuebingen Variant Classification Criteria Version 2. Collection method: clinical testing. Allele origin: germline. Affected: yes. Observed: 2 variant alleles.
Comment: LUZP1: BP4, BP7

NM_001395462.2(LUZP1):c.2250G>A (p.Leu750=)

Gene: LUZP1 (leucine zipper protein 1; minus strand). Cytogenetic location: 1p36.12.
Variant type: single nucleotide variant.
Coding change: c.2250G>A on transcript NM_001395462.2 (MANE Select); coding-DNA position 2250, G replaced by A.
Protein change: p.Leu750=; no amino-acid change (leucine 750 retained).
Molecular consequence: synonymous variant.
Genome position (GRCh38, 1-based): chr1:23,092,012, C>T on the plus strand (G>A on the coding strand, the complement: LUZP1 is on the minus strand). VCF-style: chr1-23092012-C-T. GRCh37 (hg19) VCF-style: chr1-23418505-C-T.
Other names: c.2250G>A, p.Leu750= (NM_001142546.4, NM_001395461.1, NM_033631.5).
Identifiers: ClinVar variation 3770483 (VCV003770483.13).